The following is an entry in ClinVar:

ClinVar aggregate classification (germline): Likely benign. Review status: criteria provided, multiple submitters, no conflicts (2 of 4 stars). 2 submissions from 2 submitters: Likely benign (2). Last evaluated 2025-12-16.

Conditions:
Charcot-Marie-Tooth disease axonal type 2O. Also called: Charcot-Marie-Tooth disease, axonal, type 20; CHARCOT-MARIE-TOOTH NEUROPATHY, AXONAL, TYPE 2O; CHARCOT-MARIE-TOOTH DISEASE, AXONAL, AUTOSOMAL DOMINANT, TYPE 2O; Charcot-Marie-Tooth Neuropathy Type 2O. Identifiers: Orphanet 284232, MedGen C3280220, MONDO:0013644, OMIM 614228.

Allele frequency attached by ClinVar (database versions not stated): gnomAD exomes 0.00001 and 0.00004; TOPMed 0.00001; ExAC 0.00002.
gnomAD v4.1: 9 of 1,614,246 alleles (0.00056%); highest among the groups gnomAD compares: East Asian, 0.018%; no homozygotes.

Submissions (2):

Labcorp Genetics (formerly Invitae), Labcorp
Classification: Likely benign for Charcot-Marie-Tooth disease axonal type 2O. Last evaluated: 2025-12-16. Review status: criteria provided, single submitter. Criteria: Invitae Variant Classification Sherloc (09022015). Collection method: clinical testing. Allele origin: germline.

GeneDx
Classification: Likely benign. Last evaluated: 2016-05-23. Review status: criteria provided, single submitter. Criteria: GeneDx Variant Classification (06012015). Collection method: clinical testing. Allele origin: germline. Affected: yes.
Comment: This variant is considered likely benign or benign based on one or more of the following criteria: it is a conservative change, it occurs at a poorly conserved position in the protein, it is predicted to be benign by multiple in silico algorithms, and/or has population frequency not consistent with disease.

NM_001376.5(DYNC1H1):c.5239-10T>C

Gene: DYNC1H1 (dynein cytoplasmic 1 heavy chain 1; plus strand). Cytogenetic location: 14q32.31.
Variant type: single nucleotide variant.
Coding change: c.5239-10T>C on transcript NM_001376.5 (MANE Select); 10 bases into the intron before coding-DNA position 5239, T replaced by C.
Molecular consequence: intron variant.
Genome position (GRCh38, 1-based): chr14:102,005,032, T>C. VCF-style: chr14-102005032-T-C. GRCh37 (hg19) VCF-style: chr14-102471369-T-C.
Identifiers: ClinVar variation 385833 (VCV000385833.5), dbSNP rs751574217, ClinGen allele CA7352383.